The following is an entry in ClinVar:

NM_004448.4(ERBB2):c.1970C>T (p.Ala657Val)

Gene: ERBB2 (erb-b2 receptor tyrosine kinase 2; plus strand). Cytogenetic location: 17q12.
Variant type: single nucleotide variant.
Coding change: c.1970C>T on transcript NM_004448.4 (MANE Select); coding-DNA position 1970, C replaced by T.
Protein change: p.Ala657Val; replaces alanine 657 with valine.
Molecular consequence: missense variant. On other transcripts: non-coding transcript variant (1), intron variant (1).
Genome position (GRCh38, 1-based): chr17:39,723,342, C>T. VCF-style: chr17-39723342-C-T. GRCh37 (hg19) VCF-style: chr17-37879595-C-T.
Other names: c.1880C>T, p.Ala627Val (NM_001005862.3, NM_001382782.1, NM_001382783.1); c.1925C>T, p.Ala642Val (NM_001289936.2); c.1970C>T, p.Ala657Val (NM_001289937.2, NM_001382792.1, NM_001382793.1 and 7 more transcripts); c.2087C>T, p.Ala696Val (NM_001382784.1, NM_001382786.1); c.2072C>T, p.Ala691Val (NM_001382785.1); c.2045C>T, p.Ala682Val (NM_001382787.1); c.2000C>T, p.Ala667Val (NM_001382788.1); c.1991C>T, p.Ala664Val (NM_001382789.1); and 7 more; short protein forms A597V, A627V, A641V, A656V, A657V, A571V, A642V, A664V.
Identifiers: ClinVar variation 3016414 (VCV003016414.3), dbSNP rs2059552932, ClinGen allele CA399299544.

ClinVar aggregate classification (germline): Uncertain significance (1 of 4 stars; one submission).

Submission:

Labcorp Genetics (formerly Invitae), Labcorp
Classification: Uncertain significance. Last evaluated: 2022-11-23. Review status: criteria provided, single submitter. Criteria: Invitae Variant Classification Sherloc (09022015). Collection method: clinical testing. Allele origin: germline.
Comment: This sequence change replaces alanine, which is neutral and non-polar, with valine, which is neutral and non-polar, at codon 657 of the ERBB2 protein (p.Ala657Val). This variant is not present in population databases (gnomAD no frequency). This variant has not been reported in the literature in individuals affected with ERBB2-related conditions. Advanced modeling of protein sequence and biophysical properties (such as structural, functional, and spatial information, amino acid conservation, physicochemical variation, residue mobility, and thermodynamic stability) performed at Invitae indicates that this missense variant is not expected to disrupt ERBB2 protein function. In summary, the available evidence is currently insufficient to determine the role of this variant in disease. Therefore, it has been classified as a Variant of Uncertain Significance.